The following is an entry in ClinVar:

Single allele

Variant type: Deletion.
Identifiers: ClinVar variation 559461 (VCV000559461.3).

ClinVar aggregate classification (germline): Uncertain significance (1 of 4 stars; one submission).

Submission:

Geisinger Autism and Developmental Medicine Institute, Geisinger Health System
Classification: Uncertain significance. Last evaluated: 2018-04-16. Review status: criteria provided, single submitter. Criteria: ACMG CNV Guidelines, 2011. Collection method: provider interpretation. Allele origin: de novo.
Comment: Of note, Smith-Lemli-Opitz testing was negative.